The following is an entry in ClinVar:

ClinVar aggregate classification (germline): Pathogenic. Review status: criteria provided, single submitter (1 of 4 stars). 2 submissions from 2 submitters: Pathogenic (1). 1 of the submissions does not count toward it. Last evaluated 2025-01-30.

Conditions:
Congenital contractures of the limbs and face, hypotonia, and developmental delay (CLIFAHDD). Identifiers: Orphanet 562528, MedGen C4225398, MONDO:0014556, OMIM 616266.

Submissions (2):

GeneDx
Classification: Pathogenic. Last evaluated: 2025-01-30. Review status: criteria provided, single submitter. Criteria: GeneDx Variant Classification Process June 2021. Collection method: clinical testing. Allele origin: germline. Affected: yes.
Comment: In silico analysis supports that this missense variant has a deleterious effect on protein structure/function; Not observed at significant frequency in large population cohorts (gnomAD); This variant is associated with the following publications: (PMID: 25683120)

University of Washington Center for Mendelian Genomics, University of Washington
Classification: Pathogenic for Congenital contractures of the limbs and face, hypotonia, and developmental delay. Last evaluated: 2015-05-19. Review status: no assertion criteria provided. Collection method: research. Allele origin: de novo. Affected: yes. Not counted in ClinVar's aggregate classification.

Literature cited by the submitters: PubMed 25683120 (cited by University of Washington Center for Mendelian Genomics, University of Washington).

NM_052867.4(NALCN):c.3017T>C (p.Val1006Ala)

Gene: NALCN (sodium leak channel, non-selective; minus strand). Cytogenetic location: 13q33.1.
Variant type: single nucleotide variant.
Coding change: c.3017T>C on transcript NM_052867.4 (MANE Select); coding-DNA position 3017, T replaced by C.
Protein change: p.Val1006Ala; replaces valine 1006 with alanine.
Molecular consequence: missense variant.
Genome position (GRCh38, 1-based): chr13:101,103,212, A>G on the plus strand (T>C on the coding strand, the complement: NALCN is on the minus strand). VCF-style: chr13-101103212-A-G. GRCh37 (hg19) VCF-style: chr13-101755563-A-G.
Other names: c.3104T>C, p.Val1035Ala (NM_001350748.2); c.3017T>C, p.Val1006Ala (NM_001350749.2); c.2930T>C, p.Val977Ala (NM_001350750.2, NM_001350751.2); short protein forms V1006A, V977A, V1035A.
Identifiers: ClinVar variation 235833 (VCV000235833.2), dbSNP rs878853130, ClinGen allele CA10581444.